The following is an entry in ClinVar:

NM_006361.6(HOXB13):c.642T>C (p.Arg214=)

Gene: HOXB13 (homeobox B13; minus strand). Cytogenetic location: 17q21.32.
Variant type: single nucleotide variant.
Coding change: c.642T>C on transcript NM_006361.6 (MANE Select); coding-DNA position 642, T replaced by C.
Protein change: p.Arg214=; no amino-acid change (arginine 214 retained).
Molecular consequence: synonymous variant.
Genome position (GRCh38, 1-based): chr17:48,727,003, A>G on the plus strand (T>C on the coding strand, the complement: HOXB13 is on the minus strand). VCF-style: chr17-48727003-A-G. GRCh37 (hg19) VCF-style: chr17-46804365-A-G.
Other names: c.642T>C (NM_006361.5).
Identifiers: ClinVar variation 1668828 (VCV001668828.10), dbSNP rs2143067617, ClinGen allele CA500501171.
Genomic context (GRCh38, chr17:48,727,003, plus strand): 5'-CTCCCGCTCCAGCTCCCGCAACTGCCCCTTGCTGTACGGAATGCGTTTCTTGCGGCCGCG[A>G]CGAAAGGCGCAGGCGTCAGGAGGGTGCTGCCCGCTGGAGTCTGCGCGGCGTGAAAGGGAG-3'
Protein context (NP_006352.2, residues 204-224): GQHPPDACAF[Arg214=]RGRKKRIPYS

ClinVar aggregate classification (germline): Benign/Likely benign. Review status: criteria provided, multiple submitters, no conflicts (2 of 4 stars). 3 submissions from 3 submitters: Benign (1); Likely benign (2). Last evaluated 2024-10-30.

Conditions:
Hereditary cancer-predisposing syndrome. Also called: Hereditary neoplastic syndrome; Neoplastic Syndromes, Hereditary; Tumor predisposition; Hereditary Cancer Syndrome. Identifiers: Orphanet 140162, MedGen C0027672, MeSH D009386, MONDO:0015356.
Prostate cancer, hereditary, 9 (HPC9). Identifiers: Orphanet 1331, MedGen C1970250, MONDO:0012597, OMIM 610997.

Allele frequency attached by ClinVar (database versions not stated): gnomAD exomes below 0.00001.
gnomAD v4.1: 3 of 1,610,900 alleles (0.00019%); highest among the groups gnomAD compares: Non-Finnish European, 0.00025%; no homozygotes.

Submissions (3):

Myriad Genetics, Inc.
Classification: Benign for Prostate cancer, hereditary, 9. Last evaluated: 2024-10-30. Review status: criteria provided, single submitter. Criteria: Myriad Autosomal Dominant, Autosomal Recessive and X-Linked Classification Criteria (2023). Collection method: clinical testing. Allele origin: unknown.
Comment: This variant is considered benign. This variant is a silent/synonymous amino acid change and it is not expected to impact splicing.

Ambry Genetics
Classification: Likely benign for Hereditary cancer-predisposing syndrome. Last evaluated: 2024-10-23. Review status: criteria provided, single submitter. Criteria: Ambry Variant Classification Scheme 2023. Collection method: clinical testing. Allele origin: germline.

Labcorp Genetics (formerly Invitae), Labcorp
Classification: Likely benign. Last evaluated: 2021-01-03. Review status: criteria provided, single submitter. Criteria: Invitae Variant Classification Sherloc (09022015). Collection method: clinical testing. Allele origin: germline.